The following is an entry in ClinVar:

NM_004006.3(DMD):c.1093C>A (p.Gln365Lys)

Gene: DMD (dystrophin; minus strand). Cytogenetic location: Xp21.1.
Variant type: single nucleotide variant.
Coding change: c.1093C>A on transcript NM_004006.3 (MANE Select); coding-DNA position 1093, C replaced by A.
Protein change: p.Gln365Lys; replaces glutamine 365 with lysine.
Molecular consequence: missense variant.
Genome position (GRCh38, 1-based): chrX:32,645,020, G>T on the plus strand (C>A on the coding strand, the complement: DMD is on the minus strand). VCF-style: chrX-32645020-G-T. GRCh37 (hg19) VCF-style: chrX-32663137-G-T.
Other names: c.1069C>A, p.Gln357Lys (NM_000109.4); c.1081C>A, p.Gln361Lys (NM_004009.3); c.724C>A, p.Gln242Lys (NM_004010.3); short protein forms Q361K, Q365K, Q242K, Q357K.
Identifiers: ClinVar variation 2158132 (VCV002158132.4), dbSNP rs794726993, ClinGen allele CA412661893.

ClinVar aggregate classification (germline): Uncertain significance (1 of 4 stars; one submission).

Conditions:
Duchenne muscular dystrophy (DMD). Also called: MUSCULAR DYSTROPHY, PSEUDOHYPERTROPHIC PROGRESSIVE, DUCHENNE TYPE; Duchenne Muscular Dystrophy (DMD). Identifiers: Orphanet 98896, MedGen C0013264, MONDO:0010679, OMIM 310200.

Submission:

Labcorp Genetics (formerly Invitae), Labcorp
Classification: Uncertain significance for Duchenne muscular dystrophy. Last evaluated: 2022-05-15. Review status: criteria provided, single submitter. Criteria: Invitae Variant Classification Sherloc (09022015). Collection method: clinical testing. Allele origin: germline.
Comment: In summary, the available evidence is currently insufficient to determine the role of this variant in disease. Therefore, it has been classified as a Variant of Uncertain Significance. Algorithms developed to predict the effect of missense changes on protein structure and function (SIFT, PolyPhen-2, Align-GVGD) all suggest that this variant is likely to be tolerated. This variant has not been reported in the literature in individuals affected with DMD-related conditions. This variant is not present in population databases (gnomAD no frequency). This sequence change replaces glutamine, which is neutral and polar, with lysine, which is basic and polar, at codon 365 of the DMD protein (p.Gln365Lys).